The following is an entry in ClinVar:

NM_020717.5(SHROOM4):c.3393GGA[9] (p.Glu1151_Ala1152insGluGlu)

Gene: SHROOM4 (shroom family member 4; minus strand). Cytogenetic location: Xp11.22.
Variant type: Microsatellite.
Coding change: c.3393GGA[9] on transcript NM_020717.5 (MANE Select); nine copies in a row of the 3-base unit GGA starting at c.3393; the reference has seven copies in a row; two copies, 6 bases duplicated.
Protein change: p.Glu1151_Ala1152insGluGlu.
Molecular consequence: inframe insertion. On other transcripts: non-coding transcript variant (4).
Genome position (GRCh38, 1-based): chrX:50,607,729-50,607,734, TCCTCC duplicated on the plus strand (GGAGGA on the coding strand, the reverse complement: SHROOM4 is on the minus strand); duplicating any 6 consecutive bases within chrX:50,607,729-50,607,750 gives the same sequence; the position shown is the placement nearest the transcript's 3' end. VCF-style (leftmost placement, unchanged base first): chrX-50607728-T-TTCCTCC. GRCh37 (hg19) VCF-style: chrX-50350728-T-TTCCTCC.
Identifiers: ClinVar variation 3341614 (VCV003341614.17).

ClinVar aggregate classification (germline): Likely benign. Review status: criteria provided, multiple submitters, no conflicts (2 of 4 stars). 2 submissions from 2 submitters: Likely benign (2). Last evaluated 2025-01-01.

Submissions (2):

CeGaT Center for Human Genetics Tuebingen
Classification: Likely benign. Last evaluated: 2025-01-01. Review status: criteria provided, single submitter. Criteria: CeGaT Center For Human Genetics Tuebingen Variant Classification Criteria Version 2. Collection method: clinical testing. Allele origin: germline. Affected: yes. Observed: 2 variant alleles.
Comment: SHROOM4: BS2

Blueprint Genetics
Classification: Likely benign. Last evaluated: 2021-09-27. Review status: criteria provided, single submitter. Criteria: ACMG Guidelines, 2015. Collection method: clinical testing. Allele origin: germline.